The following is an entry in ClinVar:

NM_198271.5(LMOD3):c.23C>G (p.Ser8Ter)

Genes: LMOD3 (leiomodin 3; minus strand), LOC126806710 (CDK7 strongly-dependent group 2 enhancer GRCh37_chr3:69170601-69171800; plus strand). Cytogenetic location: 3p14.1.
Variant type: single nucleotide variant.
Coding change: c.23C>G on transcript NM_198271.5 (MANE Select); coding-DNA position 23, C replaced by G.
Protein change: p.Ser8Ter; replaces serine 8 with a stop codon.
Molecular consequence: nonsense.
Genome position (GRCh38, 1-based): chr3:69,122,364, G>C on the plus strand (C>G on the coding strand, the complement: LMOD3 is on the minus strand). VCF-style: chr3-69122364-G-C. GRCh37 (hg19) VCF-style: chr3-69171515-G-C.
Other names: c.23C>G, p.Ser8Ter (NM_001304418.3); short protein forms S8*.
Identifiers: ClinVar variation 1027923 (VCV001027923.1), dbSNP rs2092413018, ClinGen allele CA353479949.

ClinVar aggregate classification (germline): Likely pathogenic (1 of 4 stars; one submission).

Conditions:
Nemaline myopathy 10 (NEM10). Identifiers: MedGen C4015360, MONDO:0014513, OMIM 616165.

Submission:

Baylor Genetics
Classification: Likely pathogenic for Nemaline myopathy 10. Last evaluated: 2019-11-14. Review status: criteria provided, single submitter. Criteria: ACMG Guidelines, 2015. Collection method: clinical testing. Allele origin: unknown. Affected: yes.
Comment: This variant was determined to be likely pathogenic according to ACMG Guidelines, 2015 [PMID:25741868].